The following is an entry in ClinVar:

ClinVar aggregate classification (germline): Uncertain significance. Review status: criteria provided, multiple submitters, no conflicts (2 of 4 stars). 2 submissions from 2 submitters: Uncertain significance (2). Last evaluated 2025-12-04.

Conditions:
Hereditary cancer-predisposing syndrome. Also called: Neoplastic Syndromes, Hereditary; Tumor predisposition; Hereditary Cancer Syndrome; Hereditary neoplastic syndrome. Identifiers: Orphanet 140162, MedGen C0027672, MeSH D009386, MONDO:0015356.
EGFR-related lung cancer (EGFR). Identifiers: MedGen CN130014.

Allele frequency attached by ClinVar (database versions not stated): gnomAD exomes 0.00001; TOPMed 0.00001.
gnomAD v4.1: 3 of 1,614,204 alleles (0.00019%); highest among the groups gnomAD compares: Non-Finnish European, 0.00025%; no homozygotes.

Submissions (2):

Ambry Genetics
Classification: Uncertain significance for Hereditary cancer-predisposing syndrome. Last evaluated: 2025-12-04. Review status: criteria provided, single submitter. Criteria: Ambry Variant Classification Scheme 2023. Collection method: clinical testing. Allele origin: germline.
Comment: The p.R547G variant (also known as c.1639A>G), located in coding exon 14 of the EGFR gene, results from an A to G substitution at nucleotide position 1639. The arginine at codon 547 is replaced by glycine, an amino acid with dissimilar properties. This amino acid position is highly conserved in available vertebrate species. In addition, the in silico prediction for this alteration is inconclusive. Based on the available evidence, the clinical significance of this variant remains unclear.

Labcorp Genetics (formerly Invitae), Labcorp
Classification: Uncertain significance for EGFR-related lung cancer. Last evaluated: 2023-05-09. Review status: criteria provided, single submitter. Criteria: Invitae Variant Classification Sherloc (09022015). Collection method: clinical testing. Allele origin: germline.
Comment: In summary, the available evidence is currently insufficient to determine the role of this variant in disease. Therefore, it has been classified as a Variant of Uncertain Significance. Advanced modeling of protein sequence and biophysical properties (such as structural, functional, and spatial information, amino acid conservation, physicochemical variation, residue mobility, and thermodynamic stability) performed at Invitae indicates that this missense variant is expected to disrupt EGFR protein function. This sequence change replaces arginine, which is basic and polar, with glycine, which is neutral and non-polar, at codon 547 of the EGFR protein (p.Arg547Gly). This variant is not present in population databases (gnomAD no frequency). This variant has not been reported in the literature in individuals affected with EGFR-related conditions. ClinVar contains an entry for this variant (Variation ID: 999515).

NM_005228.5(EGFR):c.1639A>G (p.Arg547Gly)

Gene: EGFR (epidermal growth factor receptor; plus strand). Cytogenetic location: 7p11.2.
Variant type: single nucleotide variant.
Coding change: c.1639A>G on transcript NM_005228.5 (MANE Select); coding-DNA position 1639, A replaced by G.
Protein change: p.Arg547Gly; replaces arginine 547 with glycine.
Molecular consequence: missense variant.
Genome position (GRCh38, 1-based): chr7:55,163,740, A>G. VCF-style: chr7-55163740-A-G. GRCh37 (hg19) VCF-style: chr7-55231433-A-G.
Other names: c.1504A>G, p.Arg502Gly (NM_001346897.2, NM_001346899.2); c.1639A>G, p.Arg547Gly (NM_001346898.2, NM_201282.2, NM_201284.2); c.1480A>G, p.Arg494Gly (NM_001346900.2); c.838A>G, p.Arg280Gly (NM_001346941.2); c.1639A>G (NM_005228.3); short protein forms R280G, R494G, R502G, R547G.
Identifiers: ClinVar variation 999515 (VCV000999515.11), dbSNP rs1427028322, ClinGen allele CA367580410.